The following is an entry in ClinVar:

NM_002180.3(IGHMBP2):c.2836C>T (p.Arg946Trp)

Gene: IGHMBP2 (immunoglobulin mu DNA binding protein 2; plus strand). Cytogenetic location: 11q13.3.
Variant type: single nucleotide variant.
Coding change: c.2836C>T on transcript NM_002180.3 (MANE Select); coding-DNA position 2836, C replaced by T.
Protein change: p.Arg946Trp; replaces arginine 946 with tryptophan.
Molecular consequence: missense variant.
Genome position (GRCh38, 1-based): chr11:68,939,585, C>T. VCF-style: chr11-68939585-C-T. GRCh37 (hg19) VCF-style: chr11-68707053-C-T.
Other names: short protein forms R946W.
Identifiers: ClinVar variation 245633 (VCV000245633.15), dbSNP rs373943338, ClinGen allele CA6154035.

ClinVar aggregate classification (germline): Likely benign. Review status: criteria provided, multiple submitters, no conflicts (2 of 4 stars). 5 submissions from 5 submitters: Likely benign (5). Last evaluated 2026-08-25.

Conditions:
IGHMBP2-related disorder. Also called: IGHMBP2-related condition; IGHMBP2-related disorders.
Inborn genetic diseases. Identifiers: MedGen C0950123, MeSH D030342.
Charcot-Marie-Tooth disease axonal type 2S. Also called: CHARCOT-MARIE-TOOTH DISEASE, AXONAL, AUTOSOMAL RECESSIVE, TYPE 2S; CHARCOT-MARIE-TOOTH NEUROPATHY, TYPE 2S. Identifiers: Orphanet 443073, MedGen C4015349, MONDO:0014511, OMIM 616155.
Autosomal recessive distal spinal muscular atrophy 1. Also called: NEURONOPATHY, DISTAL HEREDITARY MOTOR, HARDING TYPE VI; NEUROPATHY, DISTAL HEREDITARY MOTOR, AUTOSOMAL RECESSIVE 1; NEURONOPATHY, SEVERE INFANTILE AXONAL, WITH RESPIRATORY FAILURE; HMN VI; SEVERE INFANTILE AXONAL NEUROPATHY WITH RESPIRATORY FAILURE; SPINAL MUSCULAR ATROPHY, DIAPHRAGMATIC. Identifiers: Orphanet 98920, MedGen C1858517, MONDO:0011436, OMIM 604320.
Charcot-Marie-Tooth disease. Also called: Charcot-Marie-Tooth Hereditary Neuropathy; Charcot-Marie-Tooth Neuropathy. Identifiers: Orphanet 166, MedGen C0007959, MONDO:0015626.

Allele frequency attached by ClinVar (database versions not stated): gnomAD 0.00002 and 0.00027; TOPMed 0.00005; gnomAD exomes 0.00041 and 0.00093; ExAC 0.00107; 1000 Genomes Project 0.00200; 1000 Genomes Project 30x 0.00234.
gnomAD v4.1: 647 of 1,613,162 alleles (0.04%); highest among the groups gnomAD compares: South Asian, 0.65%; 2 homozygotes.

Submissions (5):

PreventionGenetics, part of Exact Sciences
Classification: Likely benign for IGHMBP2-related condition. Last evaluated: 2026-08-25. Review status: criteria provided, single submitter. Criteria: ACMG Guidelines, 2015. Collection method: clinical testing. Allele origin: germline.
Comment: This variant is classified as likely benign based on ACMG/AMP sequence variant interpretation guidelines (Richards et al. 2015 PMID: 25741868, with internal and published modifications).

Labcorp Genetics (formerly Invitae), Labcorp
Classification: Likely benign for Autosomal recessive distal spinal muscular atrophy 1; Charcot-Marie-Tooth disease axonal type 2S. Last evaluated: 2025-10-02. Review status: criteria provided, single submitter. Criteria: Invitae Variant Classification Sherloc (09022015). Collection method: clinical testing. Allele origin: germline.

Ambry Genetics
Classification: Likely benign for Inborn genetic diseases. Last evaluated: 2020-02-24. Review status: criteria provided, single submitter. Criteria: Ambry Variant Classification Scheme 2023. Collection method: clinical testing. Allele origin: germline.

GeneDx
Classification: Likely benign. Last evaluated: 2017-09-29. Review status: criteria provided, single submitter. Criteria: GeneDx Variant Classification (06012015). Collection method: clinical testing. Allele origin: germline. Affected: yes.
Comment: This variant is considered likely benign or benign based on one or more of the following criteria: it is a conservative change, it occurs at a poorly conserved position in the protein, it is predicted to be benign by multiple in silico algorithms, and/or has population frequency not consistent with disease.

Molecular Genetics Laboratory, London Health Sciences Centre
Classification: Likely benign for Charcot-Marie-Tooth disease. Review status: criteria provided, single submitter. Criteria: ACMG Guidelines, 2015. Collection method: clinical testing. Allele origin: germline. Affected: yes.